The following is an entry in ClinVar:

ClinVar aggregate classification (germline): conflicting data from submitters (0 of 4 stars; one submission).

Submission:

ISCA site 1
Classification: conflicting data from submitters. Last evaluated: 2015-07-15. Review status: no assertion criteria provided. Collection method: clinical testing. Allele origin: paternal, unknown. Affected: yes. Observed: 2 variant alleles.
Comment: Uncertain significance(1), Likely benign (1)

Copy number variation identified through the course of routine clinical cytogenomic testing in postnatal populations, with clinical assertions as classified by the original submitter. For data from the original published study, Kaminsky, et al. 2011 (PubMed 21844811), please see nstd101.

GRCh37/hg19 2p11.2(chr2:88046608-89129064)x1

Genes: EIF2AK3 (eukaryotic translation initiation factor 2 alpha kinase 3; minus strand), FABP1 (fatty acid binding protein 1; minus strand), FOXI3 (forkhead box I3; minus strand), KRCC1 (lysine rich coiled-coil 1; minus strand), RGPD2 (RANBP2 like and GRIP domain containing 2; minus strand) and 4 more. Cytogenetic location: 2p11.2.
Variant type: copy number loss.
Change: copy number 1 (one copy instead of two) of chr2:88,046,608-89,129,064 (1.08 Mb, GRCh37 coordinates, 1-based), cytogenetic band 2p11.2.
Identifiers: ClinVar variation 442637 (VCV000442637.2).